The following is an entry in ClinVar:

ClinVar aggregate classification (germline): Uncertain significance (1 of 4 stars; one submission).

Allele frequency attached by ClinVar (database versions not stated): TOPMed below 0.00001; gnomAD exomes 0.00001; gnomAD 0.00002; ExAC 0.00003; 1000 Genomes Project 0.00020; 1000 Genomes Project 30x 0.00031.
gnomAD v4.1: 21 of 1,614,166 alleles (0.0013%); highest among the groups gnomAD compares: South Asian, 0.0055%; no homozygotes.

Submission:

Labcorp Genetics (formerly Invitae), Labcorp
Classification: Uncertain significance. Last evaluated: 2023-10-11. Review status: criteria provided, single submitter. Criteria: Invitae Variant Classification Sherloc (09022015). Collection method: clinical testing. Allele origin: germline.
Comment: This sequence change replaces alanine, which is neutral and non-polar, with threonine, which is neutral and polar, at codon 668 of the COL9A2 protein (p.Ala668Thr). This variant is present in population databases (rs569464393, gnomAD 0.02%). This variant has not been reported in the literature in individuals affected with COL9A2-related conditions. ClinVar contains an entry for this variant (Variation ID: 2109623). Advanced modeling of protein sequence and biophysical properties (such as structural, functional, and spatial information, amino acid conservation, physicochemical variation, residue mobility, and thermodynamic stability) performed at Invitae indicates that this missense variant is not expected to disrupt COL9A2 protein function. In summary, the available evidence is currently insufficient to determine the role of this variant in disease. Therefore, it has been classified as a Variant of Uncertain Significance.

NM_001852.4(COL9A2):c.2002G>A (p.Ala668Thr)

Gene: COL9A2 (collagen type IX alpha 2 chain; minus strand). Cytogenetic location: 1p34.2.
Variant type: single nucleotide variant.
Coding change: c.2002G>A on transcript NM_001852.4 (MANE Select); coding-DNA position 2002, G replaced by A.
Protein change: p.Ala668Thr; replaces alanine 668 with threonine.
Molecular consequence: missense variant.
Genome position (GRCh38, 1-based): chr1:40,301,250, C>T on the plus strand (G>A on the coding strand, the complement: COL9A2 is on the minus strand). VCF-style: chr1-40301250-C-T. GRCh37 (hg19) VCF-style: chr1-40766922-C-T.
Other names: short protein forms A668T.
Identifiers: ClinVar variation 2109623 (VCV002109623.4), dbSNP rs569464393, ClinGen allele CA791258.